The following is an entry in ClinVar:

NM_002907.4(RECQL):c.769G>C (p.Ala257Pro)

Gene: RECQL (RecQ like helicase; minus strand). Cytogenetic location: 12p12.1.
Variant type: single nucleotide variant.
Coding change: c.769G>C on transcript NM_002907.4 (MANE Select); coding-DNA position 769, G replaced by C.
Protein change: p.Ala257Pro; replaces alanine 257 with proline.
Molecular consequence: missense variant.
Genome position (GRCh38, 1-based): chr12:21,477,901, C>G on the plus strand (G>C on the coding strand, the complement: RECQL is on the minus strand). VCF-style: chr12-21477901-C-G. GRCh37 (hg19) VCF-style: chr12-21630835-C-G.
Other names: c.769G>C, p.Ala257Pro (NM_032941.3); short protein forms A257P.
Identifiers: ClinVar variation 1760186 (VCV001760186.2), dbSNP rs2137350708, ClinGen allele CA384124699.
Genomic context (GRCh38, chr12:21,477,901, plus strand): 5'-AAGTAAAACACTTTTCAATGCACAAAATTTTCTGAGCATCCGTCAAAACGTGATTTGTTG[C>G]AGTTGCAGTCAGCCCAATTAGTGATGCGTTAGGGAACTGCCGCTTTAAGATACCAAGTGC-3'
Protein context (NP_002898.2, residues 247-267): NASLIGLTAT[Ala257Pro]TNHVLTDAQK

ClinVar aggregate classification (germline): Uncertain significance (1 of 4 stars; one submission).

Submission:

Ambry Genetics
Classification: Uncertain significance. Last evaluated: 2021-12-14. Review status: criteria provided, single submitter. Criteria: Ambry Variant Classification Scheme 2023. Collection method: clinical testing. Allele origin: germline.
Comment: The p.A257P variant (also known as c.769G>C), located in coding exon 6 of the RECQL gene, results from a G to C substitution at nucleotide position 769. The alanine at codon 257 is replaced by proline, an amino acid with highly similar properties. This amino acid position is conserved. In addition, the in silico prediction for this alteration is inconclusive. Since supporting evidence is limited at this time, the clinical significance of this alteration remains unclear.